The following is an entry in ClinVar:

ClinVar aggregate classification (germline): Uncertain significance (1 of 4 stars; one submission).

gnomAD v4.1: 1 of 1,613,606 alleles (0.000062%); highest among the groups gnomAD compares: Non-Finnish European, 0.000085%; no homozygotes.

Submission:

GeneDx
Classification: Uncertain significance. Last evaluated: 2025-01-31. Review status: criteria provided, single submitter. Criteria: GeneDx Variant Classification Process June 2021. Collection method: clinical testing. Allele origin: germline. Affected: yes.
Comment: Not observed at significant frequency in large population cohorts (gnomAD); In silico analysis supports that this missense variant has a deleterious effect on protein structure/function; Has not been previously published as pathogenic or benign to our knowledge.

NM_003047.5(SLC9A1):c.1036G>A (p.Glu346Lys)

Gene: SLC9A1 (solute carrier family 9 member A1; minus strand). Cytogenetic location: 1p36.11.
Variant type: single nucleotide variant.
Coding change: c.1036G>A on transcript NM_003047.5 (MANE Select); coding-DNA position 1036, G replaced by A.
Protein change: p.Glu346Lys; replaces glutamic acid 346 with lysine.
Molecular consequence: missense variant. On other transcripts: non-coding transcript variant (1).
Genome position (GRCh38, 1-based): chr1:27,109,555, C>T on the plus strand (G>A on the coding strand, the complement: SLC9A1 is on the minus strand). VCF-style: chr1-27109555-C-T. GRCh37 (hg19) VCF-style: chr1-27436046-C-T.
Other names: short protein forms E346K.
Identifiers: ClinVar variation 4072769 (VCV004072769.1).